The following continues an entry in ClinVar:

NM_000059.4(BRCA2):c.462_463del (p.Arg155_Asp156insTer)

Gene: BRCA2. ClinVar aggregate classification (germline): Pathogenic. Pathogenic (1).

Submissions 10 to 17 of 17:

Clinical Genetics DNA and cytogenetics Diagnostics Lab, Erasmus MC, Erasmus Medical Center
Classification: Pathogenic for Breast-ovarian cancer, familial, susceptibility to, 2. Last evaluated: 2015-09-21. Review status: criteria provided, single submitter. Criteria: ACGS Guidelines, 2013. Collection method: clinical testing. Allele origin: germline. Affected: yes. Study: VKGL Data-share Consensus. Not counted in ClinVar's aggregate classification.

Human Genome Sequencing Center Clinical Lab, Baylor College of Medicine
Classification: Pathogenic for Rhabdomyosarcoma. Last evaluated: 2020-09-01. Review status: no assertion criteria provided. Collection method: provider interpretation. Allele origin: germline. Affected: yes. Not counted in ClinVar's aggregate classification.

CZECANCA consortium
Classification: Pathogenic for Breast and/or ovarian cancer. Last evaluated: 2019-06-11. Review status: no assertion criteria provided. Collection method: clinical testing. Allele origin: germline. Affected: yes. Observed: 1 variant allele. Not counted in ClinVar's aggregate classification.

Counsyl
Classification: Pathogenic for Breast-ovarian cancer, familial, susceptibility to, 2. Last evaluated: 2017-01-17. Review status: no assertion criteria provided. Collection method: clinical testing. Allele origin: unknown. Not counted in ClinVar's aggregate classification.

Research Molecular Genetics Laboratory, Women's College Hospital, University of Toronto
Classification: Pathogenic for Hereditary breast ovarian cancer syndrome. Last evaluated: 2014-01-31. Review status: no assertion criteria provided. Collection method: research. Allele origin: germline. Affected: yes. Study: The Canadian Open Genetics Repository (COGR). Not counted in ClinVar's aggregate classification.

Sharing Clinical Reports Project (SCRP)
Classification: Pathogenic for Breast-ovarian cancer, familial 2. Last evaluated: 2011-08-22. Review status: no assertion criteria provided. Collection method: clinical testing. Allele origin: germline. Not counted in ClinVar's aggregate classification.

Breast Cancer Information Core (BIC) (BRCA2)
Classification: Pathogenic for Breast-ovarian cancer, familial 2. Last evaluated: 2006-07-19. Review status: no assertion criteria provided. Collection method: clinical testing. Allele origin: germline. Affected: yes. Observed: 2 variant alleles. Not counted in ClinVar's aggregate classification.

Diagnostic Laboratory, Department of Genetics, University Medical Center Groningen
Classification: Pathogenic for Breast-ovarian cancer, familial, susceptibility to, 2. Review status: no assertion criteria provided. Collection method: clinical testing. Allele origin: germline. Affected: yes. Study: VKGL Data-share Consensus. Not counted in ClinVar's aggregate classification.

Literature cited by the submitters: PubMed 11802209 (cited by 3 submitters); PubMed 18489799 (cited by 4 submitters); PubMed 16683254 (cited by Women's Health and Genetics/Laboratory Corporation of America, LabCorp); PubMed 15024741 (cited by 7 submitters); PubMed 23531862 (cited by Women's Health and Genetics/Laboratory Corporation of America, LabCorp); PubMed 10188893 (cited by 4 submitters); PubMed 27836010 (cited by Women's Health and Genetics/Laboratory Corporation of America, LabCorp); PubMed 29368341 (cited by 3 submitters); PubMed 20104584 (cited by Labcorp Genetics (formerly Invitae), Labcorp); PubMed 29446198 (cited by All of Us Research Program, National Institutes of Health and Color Diagnostics, LLC DBA Color Health); PubMed 33372952 (cited by Human Genome Sequencing Center Clinical Lab, Baylor College of Medicine); PubMed 32295079 (cited by CZECANCA consortium).